The following is an entry in ClinVar:

NM_015021.3(ZNF292):c.1287C>T (p.Arg429=)

Gene: ZNF292 (zinc finger protein 292; plus strand). Cytogenetic location: 6q14.3.
Variant type: single nucleotide variant.
Coding change: c.1287C>T on transcript NM_015021.3 (MANE Select); coding-DNA position 1287, C replaced by T.
Protein change: p.Arg429=; no amino-acid change (arginine 429 retained).
Molecular consequence: synonymous variant.
Genome position (GRCh38, 1-based): chr6:87,254,916, C>T. VCF-style: chr6-87254916-C-T. GRCh37 (hg19) VCF-style: chr6-87964634-C-T.
Other names: c.867C>T, p.Arg289= (NM_001351444.2).
Identifiers: ClinVar variation 3025177 (VCV003025177.22), dbSNP rs376610075, ClinGen allele CA3913832.
Genomic context (GRCh38, chr6:87,254,916, plus strand): 5'-GTATAATCAGCCAGACCAGAAATATGATGAAGAGAATCTTCCAATACCAAATTCTTTACG[C>T]TGTGAGCTGTTACTTGTATTGAAAACTCAATGGCCCTTTGATCCAGAATTCTGGGATTGG-3'
Protein context (NP_055836.1, residues 419-439): EENLPIPNSL[Arg429=]CELLLVLKTQ

ClinVar aggregate classification (germline): Likely benign (1 of 4 stars; one submission).

Allele frequency attached by ClinVar (database versions not stated): gnomAD 0.00002; TOPMed 0.00004; gnomAD exomes 0.00007; ExAC 0.00008; ESP Exome Variant Server 0.00008.
gnomAD v4.1: 101 of 1,613,710 alleles (0.0063%); highest among the groups gnomAD compares: Non-Finnish European, 0.008%; no homozygotes.

Submission:

CeGaT Center for Human Genetics Tuebingen
Classification: Likely benign. Last evaluated: 2024-01-01. Review status: criteria provided, single submitter. Criteria: CeGaT Center For Human Genetics Tuebingen Variant Classification Criteria Version 2. Collection method: clinical testing. Allele origin: germline. Affected: yes. Observed: 1 variant allele.
Comment: ZNF292: BP4